The following is an entry in ClinVar:

NC_000022.10:g.(?_40573928)_(40574145_40642018)del

Gene: TNRC6B (trinucleotide repeat containing adaptor 6B; plus strand). Cytogenetic location: 22q13.1.
Variant type: Deletion.
Identifiers: ClinVar variation 4887576 (VCV004887576.1).

ClinVar aggregate classification (germline): Pathogenic (1 of 4 stars; one submission).

Conditions:
Global developmental delay with speech and behavioral abnormalities. Identifiers: MedGen C5543226, MONDO:0030995, OMIM 619243.

Submission:

Women's Health and Genetics/Laboratory Corporation of America, LabCorp
Classification: Pathogenic for Global developmental delay with speech and behavioral abnormalities. Last evaluated: 2026-06-02. Review status: criteria provided, single submitter. Criteria: LabCorp Variant Classification Summary - May 2015. Collection method: clinical testing. Allele origin: germline.
Comment: Variant summary: The variant involves the deletion of exon 1 in the TNRC6B gene. A presumed nomenclature of c.(?_-212)_(5+1_6-1)del has been designated for the purposes of this classification. The exact breakpoint at the 5' end of this variant is unknown, therefore this deletion may extend upstream of the annotated region of this gene. Although the exact breakpoints of this deletion are not known, it is predicted to remove the initiation codon and result in an absence of protein or a truncation of the encoded protein due to translation initiation at a downstream site. The variant was absent in 21694 control chromosomes. To our knowledge, no occurrence of c.(?_-212)_(5+1_6-1)del in individuals affected with TNRC6B-related conditions and no experimental evidence demonstrating its impact on protein function have been reported. No submitters have cited clinical-significance assessments for this variant to ClinVar. Based on the evidence outlined above, the variant was classified as pathogenic.